The following is an entry in ClinVar:

NM_001395159.1(UNC79):c.23-4C>T

Gene: UNC79 (unc-79 subunit of NALCN channel complex; plus strand). Cytogenetic location: 14q32.12.
Variant type: single nucleotide variant.
Coding change: c.23-4C>T on transcript NM_001395159.1 (MANE Select); 4 bases into the intron before coding-DNA position 23, C replaced by T.
Molecular consequence: intron variant.
Genome position (GRCh38, 1-based): chr14:93,467,667, C>T. VCF-style: chr14-93467667-C-T. GRCh37 (hg19) VCF-style: chr14-93934013-C-T.
Other names: c.-350-4C>T (NM_020818.5); c.23-4C>T (NM_001346218.2).
Identifiers: ClinVar variation 4981061 (VCV004981061.1).
Genomic context (GRCh38, chr14:93,467,667, plus strand): 5'-TTCTCTTTCTTTTTCTTCTTCCTTTTTTTTTTTTTTTTTTTTTTTTTTTTTTGCTTTTAT[C>T]TAGTTGCTTCCAAGATCCGGTACTTGCAGGAATATCATAACCGGGTTCTCCACAACATTT-3'

ClinVar aggregate classification (germline): Likely benign (1 of 4 stars; one submission).

Conditions:
UNC79-related disorder. Also called: UNC79-related condition.

Submission:

PreventionGenetics, part of Exact Sciences
Classification: Likely benign for UNC79-related condition. Last evaluated: 2025-06-19. Review status: criteria provided, single submitter. Criteria: ACMG Guidelines, 2015. Collection method: clinical testing. Allele origin: germline.
Comment: This variant is classified as likely benign based on ACMG/AMP sequence variant interpretation guidelines (Richards et al. 2015 PMID: 25741868, with internal and published modifications).